The following is an entry in ClinVar:

ClinVar aggregate classification (germline): Uncertain significance (1 of 4 stars; one submission).

Conditions:
Emery-Dreifuss muscular dystrophy 5, autosomal dominant (EDMD5). Also called: EMERY-DREIFUSS MUSCULAR DYSTROPHY 5. Identifiers: Orphanet 261, MedGen C2751805, MONDO:0013072, OMIM 612999.

Allele frequency attached by ClinVar (database versions not stated): ExAC 0.00001.
gnomAD v4.1: 1 of 1,614,150 alleles (0.000062%); highest among the groups gnomAD compares: East Asian, 0.0022%; no homozygotes.

Submission:

Labcorp Genetics (formerly Invitae), Labcorp
Classification: Uncertain significance for Emery-Dreifuss muscular dystrophy 5, autosomal dominant. Last evaluated: 2022-11-08. Review status: criteria provided, single submitter. Criteria: Invitae Variant Classification Sherloc (09022015). Collection method: clinical testing. Allele origin: germline.
Comment: In summary, the available evidence is currently insufficient to determine the role of this variant in disease. Therefore, it has been classified as a Variant of Uncertain Significance. Algorithms developed to predict the effect of missense changes on protein structure and function (SIFT, PolyPhen-2, Align-GVGD) all suggest that this variant is likely to be tolerated. This variant has not been reported in the literature in individuals affected with SYNE2-related conditions. This variant is present in population databases (rs528334179, gnomAD 0.0009%). This sequence change replaces proline, which is neutral and non-polar, with leucine, which is neutral and non-polar, at codon 6513 of the SYNE2 protein (p.Pro6513Leu).

NM_182914.3(SYNE2):c.19538C>T (p.Pro6513Leu)

Gene: SYNE2 (spectrin repeat containing nuclear envelope protein 2; plus strand). Cytogenetic location: 14q23.2.
Variant type: single nucleotide variant.
Coding change: c.19538C>T on transcript NM_182914.3 (MANE Select); coding-DNA position 19538, C replaced by T.
Protein change: p.Pro6513Leu; replaces proline 6513 with leucine.
Molecular consequence: missense variant.
Genome position (GRCh38, 1-based): chr14:64,216,383, C>T. VCF-style: chr14-64216383-C-T. GRCh37 (hg19) VCF-style: chr14-64683101-C-T.
Other names: c.19469C>T, p.Pro6490Leu (NM_015180.6); c.62C>T, p.Pro21Leu (NM_182910.2); c.440C>T, p.Pro147Leu (NM_182913.4); short protein forms P147L, P6490L, P6513L, P21L.
Identifiers: ClinVar variation 2966076 (VCV002966076.3), dbSNP rs528334179, ClinGen allele CA7224471.